The following is an entry in ClinVar:

ClinVar aggregate classification (germline): Uncertain significance (1 of 4 stars; one submission).

gnomAD v4.1: 2 of 1,210,754 alleles (0.00017%); highest among the groups gnomAD compares: Non-Finnish European, 0.00022%; no homozygotes.

Submission:

GeneDx
Classification: Uncertain significance. Last evaluated: 2026-03-31. Review status: criteria provided, single submitter. Criteria: GeneDx Variant Classification Process June 2021. Collection method: clinical testing. Allele origin: germline.
Comment: Not observed at significant frequency in large population cohorts (gnomAD); In silico analysis supports that this missense variant has a deleterious effect on protein structure/function; Has not been previously published as pathogenic or benign to our knowledge

NM_001110556.2(FLNA):c.1004A>G (p.Asn335Ser)

Gene: FLNA (filamin A; minus strand). Cytogenetic location: Xq28.
Variant type: single nucleotide variant.
Coding change: c.1004A>G on transcript NM_001110556.2 (MANE Select); coding-DNA position 1004, A replaced by G.
Protein change: p.Asn335Ser; replaces asparagine 335 with serine.
Molecular consequence: missense variant.
Genome position (GRCh38, 1-based): chrX:154,366,623, T>C on the plus strand (A>G on the coding strand, the complement: FLNA is on the minus strand). VCF-style: chrX-154366623-T-C. GRCh37 (hg19) VCF-style: chrX-153594991-T-C.
Other names: c.1004A>G, p.Asn335Ser (NM_001456.4); short protein forms N335S.
Identifiers: ClinVar variation 5017912 (VCV005017912.1).